The following is an entry in ClinVar:

NM_017654.4(SAMD9):c.384G>C (p.Met128Ile)

Gene: SAMD9 (sterile alpha motif domain containing 9; minus strand). Cytogenetic location: 7q21.2.
Variant type: single nucleotide variant.
Coding change: c.384G>C on transcript NM_017654.4 (MANE Select); coding-DNA position 384, G replaced by C.
Protein change: p.Met128Ile; replaces methionine 128 with isoleucine.
Molecular consequence: missense variant.
Genome position (GRCh38, 1-based): chr7:93,105,714, C>G on the plus strand (G>C on the coding strand, the complement: SAMD9 is on the minus strand). VCF-style: chr7-93105714-C-G. GRCh37 (hg19) VCF-style: chr7-92735027-C-G.
Other names: c.384G>C, p.Met128Ile (NM_001193307.2); short protein forms M128I.
Identifiers: ClinVar variation 3689577 (VCV003689577.3).
Genomic context (GRCh38, chr7:93,105,714, plus strand): 5'-ATCTATTTTATCTTCTATGAGCTCAACTTTTAGTGACTTAGAACCTTTAGCAGTTGTACT[C>G]ATTGCAGACGGATTAGCCATATCTGGGTTCTCTTTACCCTTTTGTTTTTGCTTTGAAGTT-3'
Protein context (NP_060124.2, residues 118-138): ENPDMANPSA[Met128Ile]STTAKGSKSL

ClinVar aggregate classification (germline): Uncertain significance. Review status: criteria provided, multiple submitters, no conflicts (2 of 4 stars). 2 submissions from 2 submitters: Uncertain significance (2). Last evaluated 2024-09-29.

Submissions (2):

Labcorp Genetics (formerly Invitae), Labcorp
Classification: Uncertain significance. Last evaluated: 2024-09-29. Review status: criteria provided, single submitter. Criteria: Invitae Variant Classification Sherloc (09022015). Collection method: clinical testing. Allele origin: germline.
Comment: This sequence change replaces methionine, which is neutral and non-polar, with isoleucine, which is neutral and non-polar, at codon 128 of the SAMD9 protein (p.Met128Ile). This variant is not present in population databases (gnomAD no frequency). This variant has not been reported in the literature in individuals affected with SAMD9-related conditions. Invitae Evidence Modeling of protein sequence and biophysical properties (such as structural, functional, and spatial information, amino acid conservation, physicochemical variation, residue mobility, and thermodynamic stability) indicates that this missense variant is not expected to disrupt SAMD9 protein function with a negative predictive value of 95%. In summary, the available evidence is currently insufficient to determine the role of this variant in disease. Therefore, it has been classified as a Variant of Uncertain Significance.

Blueprint Genetics
Classification: Uncertain significance. Last evaluated: 2024-09-27. Review status: criteria provided, single submitter. Criteria: ACMG Guidelines, 2015. Collection method: clinical testing. Allele origin: germline.